The following is an entry in ClinVar:

NM_020975.6(RET):c.3040-2A>G

Gene: RET (ret proto-oncogene; plus strand). Cytogenetic location: 10q11.21.
Variant type: single nucleotide variant.
Coding change: c.3040-2A>G on transcript NM_020975.6 (MANE Select); the canonical splice acceptor site of the intron before coding-DNA position 3040, A replaced by G.
Molecular consequence: splice acceptor variant.
Genome position (GRCh38, 1-based): chr10:43,126,573, A>G. VCF-style: chr10-43126573-A-G. GRCh37 (hg19) VCF-style: chr10-43622021-A-G.
Other names: c.3040-2A>G (NM_020630.7, NM_001406743.1, NM_001406744.1 and 3 more transcripts); c.2905-2A>G (NM_001406765.1, NM_001406763.1); c.2644-2A>G (NM_001406772.1, NM_001406769.1); c.2602-2A>G (NM_001406773.1, NM_001406771.1); c.2143-2A>G (NM_001406782.1, NM_001406780.1, NM_001406779.1 and 1 more transcripts); c.2008-2A>G (NM_001406787.1); c.2023-2A>G (NM_001406785.1); c.2911-2A>G (NM_001406764.1, NM_001406762.1, NM_001406761.1); and 10 more.
Identifiers: ClinVar variation 1469524 (VCV001469524.8), dbSNP rs2133032257, ClinGen allele CA376558259.

ClinVar aggregate classification (germline): Conflicting classifications of pathogenicity. Review status: criteria provided, conflicting classifications (1 of 4 stars). 2 submissions from 2 submitters: Likely pathogenic (1); Uncertain significance (1). Last evaluated 2025-01-22.

Conditions:
Multiple endocrine neoplasia, type 2 (MEN2). Identifiers: Orphanet 653, MedGen C4048306, MONDO:0019003. Disease mechanism: gain of function.
Hereditary cancer-predisposing syndrome. Also called: Tumor predisposition; Hereditary Cancer Syndrome; Hereditary neoplastic syndrome; Neoplastic Syndromes, Hereditary. Identifiers: Orphanet 140162, MedGen C0027672, MeSH D009386, MONDO:0015356.

Submissions (2):

Ambry Genetics
Classification: Uncertain significance for Hereditary cancer-predisposing syndrome. Last evaluated: 2025-01-22. Review status: criteria provided, single submitter. Criteria: Ambry Variant Classification Scheme 2023. Collection method: clinical testing. Allele origin: germline.
Comment: The c.3040-2A>G intronic variant results from an A to G substitution two nucleotides upstream from coding exon 19 in the RET gene. This alteration occurs at the 3' terminus of the RET gene, is not expected to trigger nonsense-mediated mRNA decay, and only impacts the last 9% of the protein. The exact functional effect of this alteration is unknown. This nucleotide position is highly conserved in available vertebrate species. In silico splice site analysis predicts that this alteration will weaken the native splice acceptor site. Based on the available evidence, the clinical significance of this variant remains unclear.

Labcorp Genetics (formerly Invitae), Labcorp
Classification: Likely pathogenic for Multiple endocrine neoplasia, type 2. Last evaluated: 2024-08-01. Review status: criteria provided, single submitter. Criteria: Invitae Variant Classification Sherloc (09022015). Collection method: clinical testing. Allele origin: germline.
Comment: This sequence change affects an acceptor splice site in intron 18 of the RET gene. It is expected to disrupt RNA splicing. Variants that disrupt the donor or acceptor splice site typically lead to a loss of protein function (PMID: 16199547), and loss-of-function variants in RET are known to be pathogenic (PMID: 22174939, 22648184). This variant is not present in population databases (gnomAD no frequency). This variant has not been reported in the literature in individuals affected with RET-related conditions. ClinVar contains an entry for this variant (Variation ID: 1469524). Algorithms developed to predict the effect of sequence changes on RNA splicing suggest that this variant may disrupt the consensus splice site. In summary, the currently available evidence indicates that the variant is pathogenic, but additional data are needed to prove that conclusively. Therefore, this variant has been classified as Likely Pathogenic.

Literature cited by the submitters: PubMed 16199547 (cited by Labcorp Genetics (formerly Invitae), Labcorp); PubMed 22174939 (cited by Labcorp Genetics (formerly Invitae), Labcorp); PubMed 22648184 (cited by Labcorp Genetics (formerly Invitae), Labcorp).